The following is an entry in ClinVar:

ClinVar aggregate classification (germline): Uncertain significance (1 of 4 stars; one submission).

Allele frequency attached by ClinVar (database versions not stated): gnomAD exomes below 0.00001; TOPMed 0.00001.
gnomAD v4.1: 1 of 1,614,166 alleles (0.000062%); no homozygotes.

Submission:

Labcorp Genetics (formerly Invitae), Labcorp
Classification: Uncertain significance. Last evaluated: 2024-10-23. Review status: criteria provided, single submitter. Criteria: Invitae Variant Classification Sherloc (09022015). Collection method: clinical testing. Allele origin: germline.
Comment: This sequence change replaces arginine, which is basic and polar, with glutamine, which is neutral and polar, at codon 2408 of the MTOR protein (p.Arg2408Gln). This variant is present in population databases (no rsID available, gnomAD 0.01%). This variant has not been reported in the literature in individuals affected with MTOR-related conditions. ClinVar contains an entry for this variant (Variation ID: 1408137). Invitae Evidence Modeling of protein sequence and biophysical properties (such as structural, functional, and spatial information, amino acid conservation, physicochemical variation, residue mobility, and thermodynamic stability) has been performed for this missense variant. However, the output from this modeling did not meet the statistical confidence thresholds required to predict the impact of this variant on MTOR protein function. In summary, the available evidence is currently insufficient to determine the role of this variant in disease. Therefore, it has been classified as a Variant of Uncertain Significance.

NM_004958.4(MTOR):c.7223G>A (p.Arg2408Gln)

Gene: MTOR (mechanistic target of rapamycin kinase; minus strand). Cytogenetic location: 1p36.22.
Variant type: single nucleotide variant.
Coding change: c.7223G>A on transcript NM_004958.4 (MANE Select); coding-DNA position 7223, G replaced by A.
Protein change: p.Arg2408Gln; replaces arginine 2408 with glutamine.
Molecular consequence: missense variant.
Genome position (GRCh38, 1-based): chr1:11,114,395, C>T on the plus strand (G>A on the coding strand, the complement: MTOR is on the minus strand). VCF-style: chr1-11114395-C-T. GRCh37 (hg19) VCF-style: chr1-11174452-C-T.
Other names: c.7223G>A, p.Arg2408Gln (NM_001386500.1); c.5975G>A, p.Arg1992Gln (NM_001386501.1); short protein forms R1992Q, R2408Q.
Identifiers: ClinVar variation 1408137 (VCV001408137.8), dbSNP rs931743029, ClinGen allele CA17931385.